The following is an entry in ClinVar:

ClinVar aggregate classification (germline): Uncertain significance. Review status: criteria provided, multiple submitters, no conflicts (2 of 4 stars). 4 submissions from 4 submitters: Uncertain significance (4). Last evaluated 2025-01-13.

Conditions:
Dilated cardiomyopathy 1G (CMD1G). Identifiers: Orphanet 154, MedGen C1858763, MONDO:0011400, OMIM 604145.
Autosomal recessive limb-girdle muscular dystrophy type 2J (LGMDR10). Also called: Limb-girdle muscular dystrophy, type 2J; MUSCULAR DYSTROPHY, LIMB-GIRDLE, AUTOSOMAL RECESSIVE 10. Identifiers: Orphanet 140922, MedGen C1837342, MONDO:0012127, OMIM 608807.

Allele frequency attached by ClinVar (database versions not stated): gnomAD exomes below 0.00001 and 0.00001; gnomAD 0.00002; TOPMed 0.00002.
gnomAD v4.1: 9 of 1,613,274 alleles (0.00056%); highest among the groups gnomAD compares: Non-Finnish European, 0.00076%; no homozygotes.

Submissions (4):

Mayo Clinic Laboratories, Mayo Clinic
Classification: Uncertain significance. Last evaluated: 2025-01-13. Review status: criteria provided, single submitter. Criteria: ACMG Guidelines, 2015. Collection method: clinical testing. Allele origin: germline. Observed: 1 variant allele.
Comment: BP4_moderate, PM2_supporting

GeneDx
Classification: Uncertain significance. Last evaluated: 2022-02-22. Review status: criteria provided, single submitter. Criteria: GeneDx Variant Classification Process June 2021. Collection method: clinical testing. Allele origin: germline. Affected: yes.
Comment: Not observed at significant frequency in large population cohorts (gnomAD); Missense variant in a gene in which most reported pathogenic variants are truncating/loss-of-function; Has not been previously published as pathogenic or benign to our knowledge; In silico analysis supports that this variant does not alter splicing

Athena Diagnostics
Classification: Uncertain significance. Last evaluated: 2021-07-19. Review status: criteria provided, single submitter. Criteria: Athena Diagnostics Criteria. Collection method: clinical testing. Allele origin: unknown.

Labcorp Genetics (formerly Invitae), Labcorp
Classification: Uncertain significance for Dilated cardiomyopathy 1G; Autosomal recessive limb-girdle muscular dystrophy type 2J. Last evaluated: 2016-06-01. Review status: criteria provided, single submitter. Criteria: Invitae Variant Classification Sherloc (09022015). Collection method: clinical testing. Allele origin: germline.

NM_001267550.2(TTN):c.19855A>G (p.Lys6619Glu)

Genes: TTN (titin; minus strand), LOC126806429 (BRD4-independent group 4 enhancer GRCh37_chr2:179591393-179592592; plus strand). Cytogenetic location: 2q31.2.
Variant type: single nucleotide variant.
Coding change: c.19855A>G on transcript NM_001267550.2 (MANE Select); coding-DNA position 19855, A replaced by G.
Protein change: p.Lys6619Glu; replaces lysine 6619 with glutamic acid.
Molecular consequence: missense variant. On other transcripts: intron variant (3).
Genome position (GRCh38, 1-based): chr2:178,727,723, T>C on the plus strand (A>G on the coding strand, the complement: TTN is on the minus strand). VCF-style: chr2-178727723-T-C. GRCh37 (hg19) VCF-style: chr2-179592450-T-C.
Other names: p.Lys6302Glu; c.18904A>G, p.Lys6302Glu (NM_001256850.1); c.16123A>G, p.Lys5375Glu (NM_133378.4); c.13282+10359A>G (NM_003319.4); c.13858+10359A>G (NM_133437.4); c.13657+10359A>G (NM_133432.3); c.19855A>G (NM_001267550.1); short protein forms K6619E, K6302E, K5375E.
Identifiers: ClinVar variation 404788 (VCV000404788.7), dbSNP rs1060500450, ClinGen allele CA16610569.